The following is an entry in ClinVar:

ClinVar aggregate classification (germline): Uncertain significance (1 of 4 stars; one submission).

Allele frequency attached by ClinVar (database versions not stated): ExAC 0.00001; gnomAD 0.00001; TOPMed 0.00001; gnomAD exomes 0.00002 and 0.00003.
gnomAD v4.1: 41 of 1,611,806 alleles (0.0025%); highest among the groups gnomAD compares: Non-Finnish European, 0.0031%; no homozygotes.

Submission:

GeneDx
Classification: Uncertain significance. Last evaluated: 2022-01-11. Review status: criteria provided, single submitter. Criteria: GeneDx Variant Classification Process June 2021. Collection method: clinical testing. Allele origin: germline. Affected: yes.
Comment: Has not been previously published as pathogenic or benign to our knowledge; In silico analysis, which includes protein predictors and evolutionary conservation, supports a deleterious effect; Not observed at a significant frequency in large population cohorts (gnomAD)

NM_022095.4(ZNF335):c.1516C>T (p.Arg506Cys)

Gene: ZNF335 (zinc finger protein 335; minus strand). Cytogenetic location: 20q13.12.
Variant type: single nucleotide variant.
Coding change: c.1516C>T on transcript NM_022095.4 (MANE Select); coding-DNA position 1516, C replaced by T.
Protein change: p.Arg506Cys; replaces arginine 506 with cysteine.
Molecular consequence: missense variant.
Genome position (GRCh38, 1-based): chr20:45,963,490, G>A on the plus strand (C>T on the coding strand, the complement: ZNF335 is on the minus strand). VCF-style: chr20-45963490-G-A. GRCh37 (hg19) VCF-style: chr20-44592129-G-A.
Other names: short protein forms R506C.
Identifiers: ClinVar variation 1214548 (VCV001214548.5), dbSNP rs766081631, ClinGen allele CA9885712.
Genomic context (GRCh38, chr20:45,963,490, plus strand): 5'-TCTTCACCCTCCCATGAGCCCCAAGCCTCTTTGGCTCCCGCACCTTGAGCGAGGACCAGC[G>A]GCGGGAACGATAGCTGCACTGCAGGCACTTGAAGAGCTGGGGATCGCCAGCCTCATGGGA-3'
Protein context (NP_071378.1, residues 496-516): KCLQCSYRSR[Arg506Cys]WSSLKEHMFN